The following is an entry in ClinVar:

ClinVar aggregate classification (germline): Uncertain significance. Review status: criteria provided, multiple submitters, no conflicts (2 of 4 stars). 2 submissions from 2 submitters: Uncertain significance (2). Last evaluated 2025-06-03.

Allele frequency attached by ClinVar (database versions not stated): gnomAD exomes below 0.00001.

Submissions (2):

GeneDx
Classification: Uncertain significance. Last evaluated: 2025-06-03. Review status: criteria provided, single submitter. Criteria: GeneDx Variant Classification Process June 2021. Collection method: clinical testing. Allele origin: germline. Affected: yes.
Comment: In silico analysis suggests that this missense variant does not alter protein structure/function; Has not been previously published as pathogenic or benign to our knowledge

Labcorp Genetics (formerly Invitae), Labcorp
Classification: Uncertain significance. Last evaluated: 2024-11-02. Review status: criteria provided, single submitter. Criteria: Invitae Variant Classification Sherloc (09022015). Collection method: clinical testing. Allele origin: germline.
Comment: This sequence change replaces valine, which is neutral and non-polar, with methionine, which is neutral and non-polar, at codon 109 of the NBAS protein (p.Val109Met). This variant is present in population databases (no rsID available, gnomAD 0.006%). This variant has not been reported in the literature in individuals affected with NBAS-related conditions. ClinVar contains an entry for this variant (Variation ID: 1917040). Invitae Evidence Modeling of protein sequence and biophysical properties (such as structural, functional, and spatial information, amino acid conservation, physicochemical variation, residue mobility, and thermodynamic stability) indicates that this missense variant is not expected to disrupt NBAS protein function with a negative predictive value of 95%. In summary, the available evidence is currently insufficient to determine the role of this variant in disease. Therefore, it has been classified as a Variant of Uncertain Significance.

NM_015909.4(NBAS):c.325G>A (p.Val109Met)

Gene: NBAS (NBAS subunit of NRZ tethering complex; minus strand). Cytogenetic location: 2p24.3.
Variant type: single nucleotide variant.
Coding change: c.325G>A on transcript NM_015909.4 (MANE Select); coding-DNA position 325, G replaced by A.
Protein change: p.Val109Met; replaces valine 109 with methionine.
Molecular consequence: missense variant. On other transcripts: non-coding transcript variant (1).
Genome position (GRCh38, 1-based): chr2:15,553,436, C>T on the plus strand (G>A on the coding strand, the complement: NBAS is on the minus strand). VCF-style: chr2-15553436-C-T. GRCh37 (hg19) VCF-style: chr2-15693560-C-T.
Other names: c.325G>A (NM_015909.3); short protein forms V109M.
Identifiers: ClinVar variation 1917040 (VCV001917040.6), dbSNP rs1246085717, ClinGen allele CA345892712.